The following continues an entry in ClinVar:

NM_000038.6(APC):c.1312+3A>G

Gene: APC. ClinVar aggregate classification (germline): Pathogenic. Pathogenic (1).

Submissions 7 to 19 of 19:

Color Diagnostics, LLC DBA Color Health
Classification: Pathogenic for Hereditary cancer-predisposing syndrome. Last evaluated: 2023-08-02. Review status: criteria provided, single submitter. Criteria: ACMG Guidelines, 2015. Collection method: clinical testing. Allele origin: germline. Not counted in ClinVar's aggregate classification.
Comment: This variant causes an A to G nucleotide substitution at the +3 position of intron 10 of the APC gene. Functional RNA studies have shown that this variant causes a partial out-of-frame skipping of exon 9, creating a frameshift and premature translation stop signal and expected to result in an absent or non-functional protein product (PMID: 15459959, 20223039, 22431159). This variant has been reported in at least ten individuals affected with familial adenomatous polyposis or attenuated form of familial adenomatous polyposis (PMID: 8381580, 15459959, 20223039, 17489848, 19793053, 20685668, 22431159, 23159591, 28051113ClinVar: SCV000579815.5, SCV000261158.10, SCV004019979.1) and was shown to segregate with the disease in multiple families (ClinVar: SCV004019979.1). This variant has not been identified in the general population by the Genome Aggregation Database (gnomAD). Loss of APC function is a known mechanism of disease. Based on the available evidence, this variant is classified as Pathogenic.

Quest Diagnostics Nichols Institute San Juan Capistrano
Classification: Pathogenic. Last evaluated: 2023-03-13. Review status: criteria provided, single submitter. Criteria: Quest Diagnostics criteria. Collection method: clinical testing. Allele origin: unknown. Not counted in ClinVar's aggregate classification.
Comment: This variant has not been reported in large, multi-ethnic general populations. In the published literature, the variant has been reported in individuals with familial adenomatous polyposis (FAP) (PMIDs: 8381580 (1993), 15459959 (2004), 20223039 (2005), 17489848 (2007), 19793053 (2009), 20685668 (2010), 25590978 (2015)). Published RNA analysis studies show that this variant causes exon 9 skipping (PMID: 15459959 (2004)). Analysis of this variant using software algorithms for the prediction of the effect of nucleotide changes on splicing yielded predictions that this variant may affect proper APC mRNA splicing . Based on the available information, this variant is classified as pathogenic.

PreventionGenetics, part of Exact Sciences
Classification: Pathogenic for APC-related condition. Last evaluated: 2023-02-21. Review status: criteria provided, single submitter. Criteria: ACMG Guidelines, 2015. Collection method: clinical testing. Allele origin: germline. Not counted in ClinVar's aggregate classification.
Comment: The APC c.1312+3A>G variant is predicted to interfere with splicing. This variant was reported in multiple individuals with adenomatous polyposis (reported as codon 438 in Table 3, Olschwang et al 1993. PubMed ID: 8381580; Table S1, Grandval et al 2014. PubMed ID: 24599579; Table 2, Filipe et al 2009. PubMed ID: 19793053; Table 1, Lagarde et al. 2010. PubMed ID: 20685668; Lee et al 2022. PubMed ID: 35189564 ), stomach cancer (Supplemental File 2, Cavaillé. 2020. PubMed ID: 33047316). RNA studies suggest that this variant led to abnormal RNA splicing (Grandval. 2014. PubMed ID: 24599579). In ClinVar, this variant is reported as likely pathogenic/pathogenic. This variant has not been reported in a large population database, indicating this variant is rare. This variant is interpreted as pathogenic.

Baylor Genetics
Classification: Pathogenic for Familial adenomatous polyposis 1. Last evaluated: 2023-02-16. Review status: criteria provided, single submitter. Criteria: ACMG Guidelines, 2015. Collection method: clinical testing. Allele origin: unknown. Not counted in ClinVar's aggregate classification.

Myriad Genetics, Inc.
Classification: Likely pathogenic for Familial adenomatous polyposis 1. Last evaluated: 2023-02-16. Review status: criteria provided, single submitter. Criteria: Myriad Autosomal Dominant, Autosomal Recessive and X-Linked Classification Criteria (2023). Collection method: clinical testing. Allele origin: unknown. Not counted in ClinVar's aggregate classification.
Comment: This variant is considered likely pathogenic. mRNA analysis has demonstrated abnormal mRNA splicing occurs [PMID: 15459959, 20685668]. This mutation has been shown to segregate with cancer in multiple families (Myriad internal data).

Revvity Omics, Revvity
Classification: Pathogenic. Last evaluated: 2019-02-26. Review status: criteria provided, single submitter. Criteria: ACMG Guidelines, 2015. Collection method: clinical testing. Allele origin: germline. Not counted in ClinVar's aggregate classification.

Fulgent Genetics
Classification: Likely pathogenic for Colorectal cancer; Hepatocellular carcinoma; Desmoid disease, hereditary; Familial adenomatous polyposis 1; Gastric cancer. Last evaluated: 2018-10-31. Review status: criteria provided, single submitter. Criteria: ACMG Guidelines, 2015. Collection method: clinical testing. Allele origin: unknown. Not counted in ClinVar's aggregate classification.

GeneDx
Classification: Pathogenic. Last evaluated: 2017-05-15. Review status: criteria provided, single submitter. Criteria: GeneDx Variant Classification (06012015). Collection method: clinical testing. Allele origin: germline. Affected: yes. Not counted in ClinVar's aggregate classification.
Comment: This variant is denoted APC c.1312+3A>G or IVS10+3A>G and consists of an A>G nucleotide substitution at the +3 position of intron 10 of the APC gene. This variant, also reported as APC IVS9+3A>G using alternate nomenclature, has been observed in multiple individuals with a personal and/or family history of polyposis (Olschwang 1993, Aretz 2004, Friedl 2005, Nielsen 2007, Filipe 2009, Kaufmann 2009, Lagarde 2010, Kerr 2013). Multiple in silico models predict this variant to damage the nearby natural splice donor site. In addition, mRNA analysis has identified that this variant results in partial skipping of exon 9 (Aretz 2004). Based on the current evidence, we consider this variant to be pathogenic.

Eurofins Ntd Llc (ga)
Classification: Likely pathogenic. Last evaluated: 2015-09-01. Review status: criteria provided, single submitter. Criteria: EGL Classification Definitions 2015. Collection method: clinical testing. Allele origin: germline. Observed: 1 variant allele, 1 heterozygote. Not counted in ClinVar's aggregate classification.

Juno Genomics, Hangzhou Juno Genomics, Inc
Classification: Likely pathogenic for Familial adenomatous polyposis 1. Review status: criteria provided, single submitter. Criteria: ACMG Guidelines, 2015. Collection method: clinical testing. Allele origin: germline. Not counted in ClinVar's aggregate classification.
Comment: Absent from controls (or at extremely low frequency if recessive) in Genome Aggregation Database.;Well-established in vitro or in vivo functional studies supportive of a damaging effect on the gene or gene product.;The prevalence of the variant in affected individuals is significantly increased compared to the prevalence in controls.

Counsyl
Classification: Likely pathogenic for Familial adenomatous polyposis 1. Last evaluated: 2017-02-16. Review status: no assertion criteria provided. Collection method: clinical testing. Allele origin: unknown. Not counted in ClinVar's aggregate classification.

Department of Pathology and Laboratory Medicine, Sinai Health System
Classification: Pathogenic for Carcinoma of colon. Review status: no assertion criteria provided. Collection method: clinical testing. Allele origin: unknown. Affected: yes. Study: The Canadian Open Genetics Repository (COGR). Not counted in ClinVar's aggregate classification.
Comment: The APC c.1312+3A>G variant was identified in 11 of 5628 proband chromosomes (frequency 0.002) from individuals or families with familial adenomatous polyposis (FAP) (Aretz 2004, Friedl 2005, Kerr 2013, Nielsen 2007). The variant was also identified in HGMD, the â€šÃ„ÃºInSiGHT Colon Cancer Databaseâ€šÃ„Ã¹, and the UMD (25X as a causal variant). The c.1312+3A>G variant is located in the 5' splice region but does not affect the invariant +1 and +2 positions. However, positions +3 to +6 are part of the splicing consensus sequence and variants involving these positions sometimes affect splicing. Four out of five in silico or computational prediction software programs (SpliceSiteFinder, MaxEntScan, NNSPLICE, GeneSplicer, HumanSpliceFinder) predict a greater than 10% difference in splicing. In addition, two studies demonstrated a partial loss of exon 9 in patient RNA transcripts; these patients all presented with an attenuated FAP phenotype (Aretz 2004, Friedl 2005). In summary, based on the above information, this variant meets our laboratoryâ€šÃ„Ã´s criteria to be classified as pathogenic.

Mayo Clinic Laboratories, Mayo Clinic
Classification: Pathogenic. Review status: no assertion criteria provided. Collection method: research. Allele origin: unknown. Observed: 1 variant allele. Not counted in ClinVar's aggregate classification.

Literature cited by the submitters: PubMed 15459959 (cited by 10 submitters); PubMed 8381580 (cited by 6 submitters); PubMed 20685668 (cited by 7 submitters); PubMed 23159591 (cited by 4 submitters); PubMed 24599579 (cited by Labcorp Genetics (formerly Invitae), Labcorp and Eurofins Ntd Llc (ga)); PubMed 17576681 (cited by Labcorp Genetics (formerly Invitae), Labcorp); PubMed 9536098 (cited by Labcorp Genetics (formerly Invitae), Labcorp); PubMed 17489848 (cited by 5 submitters); PubMed 19793053 (cited by 6 submitters); PubMed 20223039 (cited by 4 submitters); PubMed 22431159 (cited by 3 submitters); PubMed 28051113 (cited by All of Us Research Program, National Institutes of Health and Color Diagnostics, LLC DBA Color Health); PubMed 35189564 (cited by Women's Health and Genetics/Laboratory Corporation of America, LabCorp); PubMed 25590978 (cited by Quest Diagnostics Nichols Institute San Juan Capistrano and Counsyl).